The following is an entry in ClinVar:

NM_004104.5(FASN):c.2902C>T (p.Leu968Phe)

Gene: FASN (fatty acid synthase; minus strand). Cytogenetic location: 17q25.3.
Variant type: single nucleotide variant.
Coding change: c.2902C>T on transcript NM_004104.5 (MANE Select); coding-DNA position 2902, C replaced by T.
Protein change: p.Leu968Phe; replaces leucine 968 with phenylalanine.
Molecular consequence: missense variant.
Genome position (GRCh38, 1-based): chr17:82,087,826, G>A on the plus strand (C>T on the coding strand, the complement: FASN is on the minus strand). VCF-style: chr17-82087826-G-A. GRCh37 (hg19) VCF-style: chr17-80045702-G-A.
Other names: short protein forms L968F.
Identifiers: ClinVar variation 1467164 (VCV001467164.8), dbSNP rs1323257475, ClinGen allele CA401555509.

ClinVar aggregate classification (germline): Uncertain significance (1 of 4 stars; one submission).

Conditions:
Epileptic encephalopathy. Identifiers: MedGen C0543888, HP:0200134.

Allele frequency attached by ClinVar (database versions not stated): TOPMed 0.00001.

Submission:

Labcorp Genetics (formerly Invitae), Labcorp
Classification: Uncertain significance for Epileptic encephalopathy. Last evaluated: 2022-12-02. Review status: criteria provided, single submitter. Criteria: Invitae Variant Classification Sherloc (09022015). Collection method: clinical testing. Allele origin: germline.
Comment: In summary, the available evidence is currently insufficient to determine the role of this variant in disease. Therefore, it has been classified as a Variant of Uncertain Significance. Algorithms developed to predict the effect of missense changes on protein structure and function (SIFT, PolyPhen-2, Align-GVGD) all suggest that this variant is likely to be tolerated. ClinVar contains an entry for this variant (Variation ID: 1467164). This variant has not been reported in the literature in individuals affected with FASN-related conditions. This variant is not present in population databases (gnomAD no frequency). This sequence change replaces leucine, which is neutral and non-polar, with phenylalanine, which is neutral and non-polar, at codon 968 of the FASN protein (p.Leu968Phe).